The following is an entry in ClinVar:

NM_001378454.1(ALMS1):c.12299-15_12299-12del

Gene: ALMS1 (ALMS1 centrosome and basal body associated protein; plus strand). Cytogenetic location: 2p13.1.
Variant type: Deletion.
Coding change: c.12299-15_12299-12del on transcript NM_001378454.1 (MANE Select); 15 bases into the intron before coding-DNA position 12299 through 12 bases into the intron before coding-DNA position 12299, 4 bases deleted (TCTT; older notation c.12299-15_12299-12delTCTT).
Molecular consequence: intron variant.
Genome position (GRCh38, 1-based): chr2:73,603,226-73,603,229, TCTT deleted; deleting any 4 consecutive bases within chr2:73,603,223-73,603,229 gives the same sequence; the c. name uses the placement nearest the transcript's 3' end. VCF-style (leftmost placement, unchanged base first): chr2-73603222-CCTTT-C. GRCh37 (hg19) VCF-style: chr2-73830349-CCTTT-C.
Other names: NC_000002.11:g.73830353_73830356del; c.12302-15_12302-12delTCTT (NM_015120.4); c.12299-15_12299-12del (NM_015120.4).
Identifiers: ClinVar variation 550388 (VCV000550388.9), dbSNP rs775452962, ClinGen allele CA1715522.

ClinVar aggregate classification (germline): Conflicting classifications of pathogenicity. Review status: criteria provided, conflicting classifications (1 of 4 stars). 4 submissions from 4 submitters: Uncertain significance (2); Likely benign (1). 1 of the submissions does not count toward it. Last evaluated 2026-04-01.

Conditions:
Alstrom syndrome (ALMS). Identifiers: Orphanet 64, MedGen C0268425, MONDO:0008763, OMIM 203800.

Submissions (5):

GeneDx
Classification: Uncertain significance. Last evaluated: 2026-04-01. Review status: criteria provided, single submitter. Criteria: GeneDx Variant Classification Process June 2021. Collection method: clinical testing. Allele origin: germline.
Comment: Not observed at significant frequency in large population cohorts (gnomAD); Has not been previously published as pathogenic or benign to our knowledge; In silico analysis is inconclusive as to whether the variant alters gene splicing. In the absence of RNA/functional studies, the actual effect of this sequence change is unknown.

Labcorp Genetics (formerly Invitae), Labcorp
Classification: Likely benign for Alstrom syndrome. Last evaluated: 2026-01-18. Review status: criteria provided, single submitter. Criteria: Invitae Variant Classification Sherloc (09022015). Collection method: clinical testing. Allele origin: germline.

Fulgent Genetics
Classification: Uncertain significance for Alstrom syndrome. Last evaluated: 2021-08-06. Review status: criteria provided, single submitter. Criteria: ACMG Guidelines, 2015. Collection method: clinical testing. Allele origin: unknown.

Counsyl
Classification: Uncertain significance for Alstrom syndrome. Last evaluated: 2017-01-20. Review status: no assertion criteria provided. Collection method: clinical testing. Allele origin: unknown. Not counted in ClinVar's aggregate classification.

Dr. Peter K. Rogan Lab, Western University
No classification provided (evidence only). Condition: Lymphoma. Review status: no classification provided. Collection method: in vitro. Allele origin: not applicable. Functional consequence: retained intron. Not counted in ClinVar's aggregate classification.